The following is an entry in ClinVar:

ClinVar aggregate classification (germline): Uncertain significance. Review status: criteria provided, multiple submitters, no conflicts (2 of 4 stars). 2 submissions from 2 submitters: Uncertain significance (2). Last evaluated 2024-12-17.

gnomAD v4.1: 1 of 1,476,770 alleles (0.000068%); highest among the groups gnomAD compares: Non-Finnish European, 0.000089%; no homozygotes.

Submissions (2):

GeneDx
Classification: Uncertain significance. Last evaluated: 2024-12-17. Review status: criteria provided, single submitter. Criteria: GeneDx Variant Classification Process June 2021. Collection method: clinical testing. Allele origin: germline. Affected: yes.
Comment: Not observed at significant frequency in large population cohorts (gnomAD); In silico analysis indicates that this missense variant does not alter protein structure/function; Has not been previously published as pathogenic or benign to our knowledge

Labcorp Genetics (formerly Invitae), Labcorp
Classification: Uncertain significance. Last evaluated: 2020-11-14. Review status: criteria provided, single submitter. Criteria: Invitae Variant Classification Sherloc (09022015). Collection method: clinical testing. Allele origin: germline.
Comment: This sequence change replaces threonine with methionine at codon 43 of the ABHD12 protein (p.Thr43Met). The threonine residue is weakly conserved and there is a moderate physicochemical difference between threonine and methionine. The frequency data for this variant in the population databases is considered unreliable, as metrics indicate insufficient coverage at this position in the ExAC database. This variant has not been reported in the literature in individuals with ABHD12-related conditions. Algorithms developed to predict the effect of missense changes on protein structure and function (SIFT, PolyPhen-2, Align-GVGD) all suggest that this variant is likely to be tolerated, but these predictions have not been confirmed by published functional studies and their clinical significance is uncertain. In summary, the available evidence is currently insufficient to determine the role of this variant in disease. Therefore, it has been classified as a Variant of Uncertain Significance.

NM_001042472.3(ABHD12):c.128C>T (p.Thr43Met)

Genes: ABHD12 (abhydrolase domain containing 12, lysophospholipase; minus strand), LOC130065586 (ATAC-STARR-seq lymphoblastoid silent region 12752; plus strand). Cytogenetic location: 20p11.21.
Variant type: single nucleotide variant.
Coding change: c.128C>T on transcript NM_001042472.3 (MANE Select); coding-DNA position 128, C replaced by T.
Protein change: p.Thr43Met; replaces threonine 43 with methionine.
Molecular consequence: missense variant.
Genome position (GRCh38, 1-based): chr20:25,390,576, G>A on the plus strand (C>T on the coding strand, the complement: ABHD12 is on the minus strand). VCF-style: chr20-25390576-G-A. GRCh37 (hg19) VCF-style: chr20-25371212-G-A.
Other names: c.128C>T, p.Thr43Met (NM_015600.5); c.128C>T (NM_001042472.2); short protein forms T43M.
Identifiers: ClinVar variation 1489888 (VCV001489888.9), dbSNP rs1456215767, ClinGen allele CA408445135.